The following is an entry in ClinVar:

NM_020117.11(LARS1):c.52A>G (p.Lys18Glu)

Genes: LARS1 (leucyl-tRNA synthetase 1; minus strand), LOC129389388 (MPRA-validated peak5521 silencer; plus strand). Cytogenetic location: 5q32.
Variant type: single nucleotide variant.
Coding change: c.52A>G on transcript NM_020117.11 (MANE Select); coding-DNA position 52, A replaced by G.
Protein change: p.Lys18Glu; replaces lysine 18 with glutamic acid.
Molecular consequence: missense variant. On other transcripts: intron variant (1).
Genome position (GRCh38, 1-based): chr5:146,177,620, T>C on the plus strand (A>G on the coding strand, the complement: LARS1 is on the minus strand). VCF-style: chr5-146177620-T-C. GRCh37 (hg19) VCF-style: chr5-145557183-T-C.
Other names: c.52A>G, p.Lys18Glu (NM_001317964.2, NM_016460.4); c.-37-4846A>G (NM_001317965.2); short protein forms K18E.
Identifiers: ClinVar variation 1706954 (VCV001706954.4), dbSNP rs370471655, ClinGen allele CA3490054.

ClinVar aggregate classification (germline): Uncertain significance. Review status: criteria provided, multiple submitters, no conflicts (2 of 4 stars). 2 submissions from 2 submitters: Uncertain significance (2). Last evaluated 2025-10-22.

Allele frequency attached by ClinVar (database versions not stated): ExAC 0.00006; ESP Exome Variant Server 0.00008; gnomAD exomes 0.00018; gnomAD 0.00009.
gnomAD v4.1: 272 of 1,607,944 alleles (0.017%); highest among the groups gnomAD compares: Non-Finnish European, 0.023%; no homozygotes.

Submissions (2):

Ambry Genetics
Classification: Uncertain significance. Last evaluated: 2025-10-22. Review status: criteria provided, single submitter. Criteria: Ambry Variant Classification Scheme 2023. Collection method: clinical testing. Allele origin: germline.

GeneDx
Classification: Uncertain significance. Last evaluated: 2022-09-12. Review status: criteria provided, single submitter. Criteria: GeneDx Variant Classification Process June 2021. Collection method: clinical testing. Allele origin: germline. Affected: yes.
Comment: Not observed at significant frequency in large population cohorts (gnomAD); In silico analysis supports that this missense variant does not alter protein structure/function; Has not been previously published as pathogenic or benign to our knowledge